The following is an entry in ClinVar:

ClinVar aggregate classification (germline): Likely benign (0 of 4 stars; one submission).

Conditions:
SATL1-related disorder. Also called: SATL1-related condition.

Allele frequency attached by ClinVar (database versions not stated): ExAC 0.00001; TOPMed 0.00004.
gnomAD v4.1: 8 of 1,212,084 alleles (0.00066%); highest among the groups gnomAD compares: East Asian, 0.0059%; no homozygotes.

Submission:

PreventionGenetics, part of Exact Sciences
Classification: Likely benign for SATL1-related condition. Last evaluated: 2019-08-14. Review status: no assertion criteria provided. Collection method: clinical testing. Allele origin: germline.
Comment: This variant is classified as likely benign based on ACMG/AMP sequence variant interpretation guidelines (Richards et al. 2015 PMID: 25741868, with internal and published modifications).

NM_001367857.2(SATL1):c.528A>G (p.Thr176=)

Gene: SATL1 (spermidine/spermine N1-acetyl transferase like 1; minus strand). Cytogenetic location: Xq21.1.
Variant type: single nucleotide variant.
Coding change: c.528A>G on transcript NM_001367857.2 (MANE Select); coding-DNA position 528, A replaced by G.
Protein change: p.Thr176=; no amino-acid change (threonine 176 retained).
Molecular consequence: synonymous variant.
Genome position (GRCh38, 1-based): chrX:85,108,441, T>C on the plus strand (A>G on the coding strand, the complement: SATL1 is on the minus strand). VCF-style: chrX-85108441-T-C. GRCh37 (hg19) VCF-style: chrX-84363447-T-C.
Other names: c.528A>G, p.Thr176= (NM_001012980.2, NM_001367858.2).
Identifiers: ClinVar variation 3053041 (VCV003053041.2), dbSNP rs766316712, ClinGen allele CA10464476.